The following is an entry in ClinVar:

ClinVar aggregate classification (germline): Uncertain significance (1 of 4 stars; one submission).

Submission:

GeneDx
Classification: Uncertain significance. Last evaluated: 2023-04-17. Review status: criteria provided, single submitter. Criteria: GeneDx Variant Classification Process June 2021. Collection method: clinical testing. Allele origin: germline. Affected: yes.
Comment: Not observed at significant frequency in large population cohorts (gnomAD); In silico analysis supports that this missense variant does not alter protein structure/function; Has not been previously published as pathogenic or benign to our knowledge.

NM_013386.5(SLC25A24):c.484A>G (p.Ile162Val)

Gene: SLC25A24 (solute carrier family 25 member 24; minus strand). Cytogenetic location: 1p13.3.
Variant type: single nucleotide variant.
Coding change: c.484A>G on transcript NM_013386.5 (MANE Select); coding-DNA position 484, A replaced by G.
Protein change: p.Ile162Val; replaces isoleucine 162 with valine.
Molecular consequence: missense variant.
Genome position (GRCh38, 1-based): chr1:108,161,208, T>C on the plus strand (A>G on the coding strand, the complement: SLC25A24 is on the minus strand). VCF-style: chr1-108161208-T-C. GRCh37 (hg19) VCF-style: chr1-108703830-T-C.
Other names: c.427A>G, p.Ile143Val (NM_213651.3); short protein forms I143V, I162V.
Identifiers: ClinVar variation 2663000 (VCV002663000.1), dbSNP rs2524068323, ClinGen allele CA341195923.
Genomic context (GRCh38, chr1:108,161,208, plus strand): 5'-TCCAAATAAGTATAAATACATAAAGTAGACTTACTGTAGAATGTTTCCAGAAACGGATAA[T>C]TTCCTCAATGTCTGTAACAGGATTAAATAAGAAGTAGTCTCTCCATTCATTCCAGTCCAC-3'
Protein context (NP_037518.3, residues 152-172): LFNPVTDIEE[Ile162Val]IRFWKHSTGI